The following is an entry in ClinVar:

NM_001321075.3(DLG4):c.323A>G (p.Asp108Gly)

Gene: DLG4 (discs large MAGUK scaffold protein 4; minus strand). Cytogenetic location: 17p13.1.
Variant type: single nucleotide variant.
Coding change: c.323A>G on transcript NM_001321075.3 (MANE Select); coding-DNA position 323, A replaced by G.
Protein change: p.Asp108Gly; replaces aspartic acid 108 with glycine.
Molecular consequence: missense variant. On other transcripts: non-coding transcript variant (1).
Genome position (GRCh38, 1-based): chr17:7,203,704, T>C on the plus strand (A>G on the coding strand, the complement: DLG4 is on the minus strand). VCF-style: chr17-7203704-T-C. GRCh37 (hg19) VCF-style: chr17-7107023-T-C.
Other names: c.314A>G, p.Asp105Gly (NM_001128827.4); c.443A>G, p.Asp148Gly (NM_001321074.1); c.143A>G, p.Asp48Gly (NM_001321076.3, NM_001321077.3); c.452A>G, p.Asp151Gly (NM_001365.5); c.242A>G, p.Asp81Gly (NM_001369566.3); short protein forms D105G, D108G, D148G, D151G, D48G, D81G.
Identifiers: ClinVar variation 3342956 (VCV003342956.2).

ClinVar aggregate classification (germline): Uncertain significance (1 of 4 stars; one submission).

Submission:

GeneDx
Classification: Uncertain significance. Last evaluated: 2025-07-02. Review status: criteria provided, single submitter. Criteria: GeneDx Variant Classification Process June 2021. Collection method: clinical testing. Allele origin: germline.
Comment: Not observed at significant frequency in large population cohorts (gnomAD); In silico analysis supports that this missense variant has a deleterious effect on protein structure/function; In silico analysis suggests this variant may impact gene splicing. In the absence of RNA/functional studies, the actual effect of this sequence change is unknown.; Has not been previously published as pathogenic or benign to our knowledge